The following is an entry in ClinVar:

ClinVar aggregate classification (germline): Uncertain significance. Review status: criteria provided, multiple submitters, no conflicts (2 of 4 stars). 3 submissions from 3 submitters: Uncertain significance (3). Last evaluated 2025-06-25.

Conditions:
Inborn genetic diseases. Identifiers: MedGen C0950123, MeSH D030342.
Epidermolysis bullosa, junctional 5A, intermediate. Also called: EPIDERMOLYSIS BULLOSA, JUNCTIONAL 5A, GENERALIZED INTERMEDIATE; EPIDERMOLYSIS BULLOSA, JUNCTIONAL 5A, NON-HERLITZ TYPE. Identifiers: MedGen C5676956, MONDO:0030768, OMIM 619816.
Junctional epidermolysis bullosa with pyloric atresia. Also called: Epidermolysis bullosa, junctional, with pyloric atresia and aplasia cutis congenita; Epidermolysis bullosa junctionalis with pyloric atresia; APLASIA CUTIS CONGENITA WITH GASTROINTESTINAL ATRESIA; Junctional Epidermolysis Bullosa- Pyloric Atresia Syndrome; CARMI SYNDROME; EB-PA-ACC. Identifiers: Orphanet 79403, MedGen C5676875, MONDO:0009183, OMIM 226730.

Allele frequency attached by ClinVar (database versions not stated): gnomAD 0.00001; TOPMed 0.00001; gnomAD exomes 0.00002.
gnomAD v4.1: 32 of 1,613,762 alleles (0.002%); highest among the groups gnomAD compares: Non-Finnish European, 0.0022%; no homozygotes.

Submissions (3):

Mayo Clinic Laboratories, Mayo Clinic
Classification: Uncertain significance. Last evaluated: 2025-06-25. Review status: criteria provided, single submitter. Criteria: ACMG Guidelines, 2015. Collection method: clinical testing. Allele origin: germline. Observed: 1 variant allele.
Comment: BP5, PM2_supporting

Ambry Genetics
Classification: Uncertain significance for Inborn genetic diseases. Last evaluated: 2025-02-09. Review status: criteria provided, single submitter. Criteria: Ambry Variant Classification Scheme 2023. Collection method: clinical testing. Allele origin: germline.

Fulgent Genetics
Classification: Uncertain significance for Junctional epidermolysis bullosa with pyloric atresia; Epidermolysis bullosa, junctional 5A, intermediate. Last evaluated: 2024-04-22. Review status: criteria provided, single submitter. Criteria: ACMG Guidelines, 2015. Collection method: clinical testing. Allele origin: germline.

NM_000213.5(ITGB4):c.3701C>T (p.Thr1234Met)

Gene: ITGB4 (integrin subunit beta 4; plus strand). Cytogenetic location: 17q25.1.
Variant type: single nucleotide variant.
Coding change: c.3701C>T on transcript NM_000213.5 (MANE Select); coding-DNA position 3701, C replaced by T.
Protein change: p.Thr1234Met; replaces threonine 1234 with methionine.
Molecular consequence: missense variant.
Genome position (GRCh38, 1-based): chr17:75,751,019, C>T. VCF-style: chr17-75751019-C-T. GRCh37 (hg19) VCF-style: chr17-73747100-C-T.
Other names: p.Thr1234Met; c.3701C>T, p.Thr1234Met (NM_001005619.2, NM_001005731.3, NM_001321123.2); short protein forms T1234M.
Identifiers: ClinVar variation 2272351 (VCV002272351.5), dbSNP rs933584001, ClinGen allele CA294080994.
Genomic context (GRCh38, chr17:75,751,019, plus strand): 5'-TTCCCCGCTCCCTAGTGCCCAGCGAGCCAGGGCGTCTGGCCTTCAATGTCGTCTCCTCCA[C>T]GGTGACCCAGCTGAGCTGGGCTGAGCCGGCTGAGACCAACGGTGAGATCACAGCCTACGA-3'
Protein context (NP_000204.3, residues 1224-1244): GRLAFNVVSS[Thr1234Met]VTQLSWAEPA